The following is an entry in ClinVar:

NM_020366.4(RPGRIP1):c.432A>G (p.Gln144=)

Gene: RPGRIP1 (RPGR interacting protein 1; plus strand). Cytogenetic location: 14q11.2.
Variant type: single nucleotide variant.
Coding change: c.432A>G on transcript NM_020366.4 (MANE Select); coding-DNA position 432, A replaced by G.
Protein change: p.Gln144=; no amino-acid change (glutamine 144 retained).
Molecular consequence: synonymous variant.
Genome position (GRCh38, 1-based): chr14:21,301,179, A>G. VCF-style: chr14-21301179-A-G. GRCh37 (hg19) VCF-style: chr14-21769338-A-G.
Identifiers: ClinVar variation 1024291 (VCV001024291.7), dbSNP rs751684215, ClinGen allele CA7088654.

ClinVar aggregate classification (germline): Uncertain significance (1 of 4 stars; one submission).

Conditions:
Cone-rod dystrophy 13 (CORD13). Identifiers: Orphanet 1872, MedGen C2750720, MONDO:0011987, OMIM 608194.
Leber congenital amaurosis 6 (LCA6). Identifiers: Orphanet 65, MedGen C1854260, MONDO:0013446, OMIM 613826.

Allele frequency attached by ClinVar (database versions not stated): gnomAD exomes 0.00002 and 0.00004; TOPMed 0.00003; gnomAD 0.00004; ExAC 0.00006.
gnomAD v4.1: 68 of 1,595,396 alleles (0.0043%); highest among the groups gnomAD compares: Non-Finnish European, 0.0054%; no homozygotes.

Submission:

Labcorp Genetics (formerly Invitae), Labcorp
Classification: Uncertain significance for Leber congenital amaurosis 6; Cone-rod dystrophy 13. Last evaluated: 2024-04-07. Review status: criteria provided, single submitter. Criteria: Invitae Variant Classification Sherloc (09022015). Collection method: clinical testing. Allele origin: germline.
Comment: This sequence change affects codon 144 of the RPGRIP1 mRNA. It is a 'silent' change, meaning that it does not change the encoded amino acid sequence of the RPGRIP1 protein. This variant is present in population databases (rs751684215, gnomAD 0.006%). This variant has not been reported in the literature in individuals affected with RPGRIP1-related conditions. ClinVar contains an entry for this variant (Variation ID: 1024291). Algorithms developed to predict the effect of sequence changes on RNA splicing suggest that this variant may create or strengthen a splice site. In summary, the available evidence is currently insufficient to determine the role of this variant in disease. Therefore, it has been classified as a Variant of Uncertain Significance.